The following is an entry in ClinVar:

ClinVar aggregate classification (germline): Uncertain significance. Review status: criteria provided, multiple submitters, no conflicts (2 of 4 stars). 3 submissions from 3 submitters: Uncertain significance (3). Last evaluated 2026-01-05.

Conditions:
Methylmalonic acidemia with homocystinuria, type cblJ (MAHCJ). Also called: METHYLMALONIC ACIDURIA AND HOMOCYSTINURIA, cblJ TYPE. Identifiers: Orphanet 369955, MedGen C3553915, MONDO:0013925, OMIM 614857.

Allele frequency attached by ClinVar (database versions not stated): gnomAD 0.00007 and 0.00005; TOPMed 0.00023; 1000 Genomes Project 0.00100; gnomAD exomes 0.00005 and 0.00002; ExAC 0.00005; 1000 Genomes Project 30x 0.00109.
gnomAD v4.1: 45 of 1,613,228 alleles (0.0028%); highest among the groups gnomAD compares: Admixed American, 0.069%; 1 homozygote.

Submissions (3):

Labcorp Genetics (formerly Invitae), Labcorp
Classification: Uncertain significance for Methylmalonic acidemia with homocystinuria, type cblJ. Last evaluated: 2026-01-05. Review status: criteria provided, single submitter. Criteria: Invitae Variant Classification Sherloc (09022015). Collection method: clinical testing. Allele origin: germline.
Comment: This sequence change replaces leucine, which is neutral and non-polar, with serine, which is neutral and polar, at codon 204 of the ABCD4 protein (p.Leu204Ser). This variant is present in population databases (rs538521064, gnomAD 0.04%). This variant has not been reported in the literature in individuals affected with ABCD4-related conditions. ClinVar contains an entry for this variant (Variation ID: 940798). Invitae Evidence Modeling of protein sequence and biophysical properties (such as structural, functional, and spatial information, amino acid conservation, physicochemical variation, residue mobility, and thermodynamic stability) indicates that this missense variant is expected to disrupt ABCD4 protein function with a positive predictive value of 95%. In summary, the available evidence is currently insufficient to determine the role of this variant in disease. Therefore, it has been classified as a Variant of Uncertain Significance.

Breda Genetics srl
Classification: Uncertain significance for Methylmalonic acidemia with homocystinuria, type cblJ. Last evaluated: 2021-03-03. Review status: criteria provided, single submitter. Criteria: ACMG Guidelines, 2015. Collection method: clinical testing. Allele origin: germline. Inheritance: Autosomal recessive inheritance. Affected: yes. Observed: 1 variant allele, 1 heterozygote.
Comment: Based on allele frequency, in-silico prediction scores and a certain overlap with the clinical phenotype, we interpreted this variant at least as of uncertain significance. The lack of one or more of the following features has discouraged further investigations: lack of a possible second hit in autosomal recessive conditions, presence of healthy controls in databases for autosomal dominant conditions, presence of unmatching cardinal clinical features in the patient or in the known gene-disease association, and/or variant type outside the known gene mutational spectrum.

Breakthrough Genomics
Classification: Uncertain significance. Review status: criteria provided, single submitter. Criteria: ACMG Guidelines, 2015. Collection method: not provided. Allele origin: germline. Inheritance: Autosomal recessive inheritance. Affected: yes.

NM_005050.4(ABCD4):c.611T>C (p.Leu204Ser)

Gene: ABCD4 (ATP binding cassette subfamily D member 4; minus strand). Cytogenetic location: 14q24.3.
Variant type: single nucleotide variant.
Coding change: c.611T>C on transcript NM_005050.4 (MANE Select); coding-DNA position 611, T replaced by C.
Protein change: p.Leu204Ser; replaces leucine 204 with serine.
Molecular consequence: missense variant. On other transcripts: 5 prime UTR variant (9), non-coding transcript variant (10), intron variant (2).
Genome position (GRCh38, 1-based): chr14:74,295,911, A>G on the plus strand (T>C on the coding strand, the complement: ABCD4 is on the minus strand). VCF-style: chr14-74295911-A-G. GRCh37 (hg19) VCF-style: chr14-74762614-A-G.
Other names: c.350T>C, p.Leu117Ser (NM_001353593.2, NM_001353594.2); c.197T>C, p.Leu66Ser (NM_001353595.2, NM_001353596.2, NM_001353597.2); c.134T>C, p.Leu45Ser (NM_001353598.2, NM_001353599.2, NM_001353600.2 and 2 more transcripts); c.-84T>C (NM_001353602.2, NM_001353603.2, NM_001353604.2 and 6 more transcripts); c.611T>C, p.Leu204Ser (NM_020325.3); c.542+422T>C (NM_001353591.2, NM_001353592.2); short protein forms L66S, L117S, L45S, L204S.
Identifiers: ClinVar variation 940798 (VCV000940798.9), dbSNP rs538521064, ClinGen allele CA7267142.